The following is an entry in ClinVar:

NM_001164508.2(NEB):c.3147+18C>T

Gene: NEB (nebulin; minus strand). Cytogenetic location: 2q23.3.
Variant type: single nucleotide variant.
Coding change: c.3147+18C>T on transcript NM_001164508.2 (MANE Select); 18 bases into the intron after coding-DNA position 3147, C replaced by T.
Molecular consequence: intron variant.
Genome position (GRCh38, 1-based): chr2:151,679,900, G>A on the plus strand (C>T on the coding strand, the complement: NEB is on the minus strand). VCF-style: chr2-151679900-G-A. GRCh37 (hg19) VCF-style: chr2-152536414-G-A.
Other names: c.3147+18C>T (NM_004543.5, NM_001164507.2, NM_001271208.2).
Identifiers: ClinVar variation 514944 (VCV000514944.4), dbSNP rs369903833, ClinGen allele CA1911003.

ClinVar aggregate classification (germline): Likely benign. Review status: criteria provided, multiple submitters, no conflicts (2 of 4 stars). 2 submissions from 2 submitters: Likely benign (2). Last evaluated 2024-02-25.

Conditions:
Nemaline myopathy 2 (NEM2). Also called: Nemaline myopathy 2, autosomal recessive. Identifiers: MedGen C1850569, MONDO:0009725, OMIM 256030.

Allele frequency attached by ClinVar (database versions not stated): gnomAD 0.00001; TOPMed 0.00002; ESP Exome Variant Server 0.00008.
gnomAD v4.1: 17 of 1,609,032 alleles (0.0011%); highest among the groups gnomAD compares: East Asian, 0.0045%; no homozygotes.

Submissions (2):

Labcorp Genetics (formerly Invitae), Labcorp
Classification: Likely benign for Nemaline myopathy 2. Last evaluated: 2024-02-25. Review status: criteria provided, single submitter. Criteria: Invitae Variant Classification Sherloc (09022015). Collection method: clinical testing. Allele origin: germline.

GeneDx
Classification: Likely benign. Last evaluated: 2018-01-24. Review status: criteria provided, single submitter. Criteria: GeneDx Variant Classification (06012015). Collection method: clinical testing. Allele origin: germline. Affected: yes.
Comment: This variant is considered likely benign or benign based on one or more of the following criteria: it is a conservative change, it occurs at a poorly conserved position in the protein, it is predicted to be benign by multiple in silico algorithms, and/or has population frequency not consistent with disease.